The following is an entry in ClinVar:

NM_000246.4(CIITA):c.446A>G (p.Glu149Gly)

Gene: CIITA (class II major histocompatibility complex transactivator; plus strand). Cytogenetic location: 16p13.13.
Variant type: single nucleotide variant.
Coding change: c.446A>G on transcript NM_000246.4 (MANE Select); coding-DNA position 446, A replaced by G.
Protein change: p.Glu149Gly; replaces glutamic acid 149 with glycine.
Molecular consequence: missense variant. On other transcripts: non-coding transcript variant (1).
Genome position (GRCh38, 1-based): chr16:10,901,523, A>G. VCF-style: chr16-10901523-A-G. GRCh37 (hg19) VCF-style: chr16-10995380-A-G.
Other names: c.449A>G, p.Glu150Gly (NM_001286402.1, NM_001379330.1, NM_001379332.1); c.446A>G, p.Glu149Gly (NM_001286403.2, NM_001379331.1, NM_001379333.1); c.377A>G, p.Glu126Gly (NM_001379334.1); short protein forms E126G, E150G, E149G.
Identifiers: ClinVar variation 1368924 (VCV001368924.5), dbSNP rs773558566, ClinGen allele CA7899729.

ClinVar aggregate classification (germline): Uncertain significance (1 of 4 stars; one submission).

Conditions:
MHC class II deficiency. Also called: Bare lymphocyte syndrome 2; BLS, TYPE II. Identifiers: Orphanet 572, MedGen C5447452, MONDO:0008855.

Allele frequency attached by ClinVar (database versions not stated): gnomAD exomes below 0.00001; ExAC 0.00001.
gnomAD v4.1: 1 of 1,614,040 alleles (0.000062%); highest among the groups gnomAD compares: Non-Finnish European, 0.000085%; no homozygotes.

Submission:

Labcorp Genetics (formerly Invitae), Labcorp
Classification: Uncertain significance for MHC class II deficiency. Last evaluated: 2021-08-26. Review status: criteria provided, single submitter. Criteria: Invitae Variant Classification Sherloc (09022015). Collection method: clinical testing. Allele origin: germline.
Comment: This sequence change replaces glutamic acid with glycine at codon 149 of the CIITA protein (p.Glu149Gly). The glutamic acid residue is moderately conserved and there is a moderate physicochemical difference between glutamic acid and glycine. This variant is present in population databases (rs773558566, ExAC 0.002%). This variant has not been reported in the literature in individuals affected with CIITA-related conditions. Algorithms developed to predict the effect of missense changes on protein structure and function are either unavailable or do not agree on the potential impact of this missense change (SIFT: "Deleterious"; PolyPhen-2: "Benign"; Align-GVGD: "Class C0"). In summary, the available evidence is currently insufficient to determine the role of this variant in disease. Therefore, it has been classified as a Variant of Uncertain Significance.